The following is an entry in ClinVar:

ClinVar aggregate classification (germline): Uncertain significance (1 of 4 stars; one submission).

Conditions:
Familial hypobetalipoproteinemia 1. Also called: APOB-Related Familial Hypobetalipoproteinemia; Hypobetalipoproteinemia, normotriglyceridemic; Acanthocytosis with hypobetalipoproteinemia. Identifiers: MedGen C4551990, MONDO:0014252, OMIM 615558.
Hypercholesterolemia, autosomal dominant, type B (FHCL2). Also called: APOB-Related Familial Hypercholesterolemia, Autosomal Dominant; Familial hypercholesterolemia 2; Familial Hypercholesterolemia Type B; APOLIPOPROTEIN B-100, FAMILIAL DEFECTIVE; APOLIPOPROTEIN B-100, FAMILIAL LIGAND-DEFECTIVE; HYPERCHOLESTEROLEMIA, FAMILIAL, DUE TO LIGAND-DEFECTIVE APOLIPOPROTEIN B. Identifiers: MedGen C1704417, MONDO:0007751, OMIM 144010.

gnomAD v4.1: 1 of 1,609,908 alleles (0.000062%); highest among the groups gnomAD compares: African/African-American, 0.0013%; no homozygotes.

Submission:

Labcorp Genetics (formerly Invitae), Labcorp
Classification: Uncertain significance for Familial hypobetalipoproteinemia 1; Hypercholesterolemia, autosomal dominant, type B. Last evaluated: 2025-12-25. Review status: criteria provided, single submitter. Criteria: Invitae Variant Classification Sherloc (09022015). Collection method: clinical testing. Allele origin: germline.
Comment: This sequence change replaces alanine, which is neutral and non-polar, with valine, which is neutral and non-polar, at codon 2114 of the APOB protein (p.Ala2114Val). This variant is not present in population databases (gnomAD no frequency). This variant has not been reported in the literature in individuals affected with APOB-related conditions. Invitae Evidence Modeling of protein sequence and biophysical properties (such as structural, functional, and spatial information, amino acid conservation, physicochemical variation, residue mobility, and thermodynamic stability) indicates that this missense variant is not expected to disrupt APOB protein function with a negative predictive value of 95%. In summary, the available evidence is currently insufficient to determine the role of this variant in disease. Therefore, it has been classified as a Variant of Uncertain Significance.

NM_000384.3(APOB):c.6341C>T (p.Ala2114Val)

Gene: APOB (apolipoprotein B; minus strand). Cytogenetic location: 2p24.1.
Variant type: single nucleotide variant.
Coding change: c.6341C>T on transcript NM_000384.3 (MANE Select); coding-DNA position 6341, C replaced by T.
Protein change: p.Ala2114Val; replaces alanine 2114 with valine.
Molecular consequence: missense variant.
Genome position (GRCh38, 1-based): chr2:21,010,527, G>A on the plus strand (C>T on the coding strand, the complement: APOB is on the minus strand). VCF-style: chr2-21010527-G-A. GRCh37 (hg19) VCF-style: chr2-21233399-G-A.
Other names: short protein forms A2114V.
Identifiers: ClinVar variation 4789289 (VCV004789289.1).